The following is an entry in ClinVar:

ClinVar aggregate classification (germline): Uncertain significance (1 of 4 stars; one submission).

Conditions:
Hereditary cancer-predisposing syndrome. Also called: Tumor predisposition; Hereditary Cancer Syndrome; Neoplastic Syndromes, Hereditary; Hereditary neoplastic syndrome. Identifiers: Orphanet 140162, MedGen C0027672, MeSH D009386, MONDO:0015356.

Submission:

Ambry Genetics
Classification: Uncertain significance for Hereditary cancer-predisposing syndrome. Last evaluated: 2026-02-11. Review status: criteria provided, single submitter. Criteria: Ambry Variant Classification Scheme 2023. Collection method: clinical testing. Allele origin: germline.
Comment: The c.628-3C>G intronic variant results from a C to G substitution 3 nucleotides upstream from coding exon 4 in the MSH6 gene. This nucleotide position is well conserved in available vertebrate species. In silico splice site analysis predicts that this alteration will weaken the native splice acceptor site and may result in the creation or strengthening of a novel splice acceptor site. Based on the available evidence, the clinical significance of this variant remains unclear.

NM_000179.3(MSH6):c.628-3C>G

Gene: MSH6 (mutS homolog 6; plus strand). Cytogenetic location: 2p16.3.
Variant type: single nucleotide variant.
Coding change: c.628-3C>G on transcript NM_000179.3 (MANE Select); 3 bases into the intron before coding-DNA position 628, C replaced by G.
Molecular consequence: intron variant.
Genome position (GRCh38, 1-based): chr2:47,798,608, C>G. VCF-style: chr2-47798608-C-G. GRCh37 (hg19) VCF-style: chr2-48025747-C-G.
Other names: c.-279-3C>G (NM_001281493.2); c.238-3C>G (NM_001281492.2); c.-275-7C>G (NM_001281494.2).
Identifiers: ClinVar variation 480930 (VCV000480930.6), dbSNP rs3136332, ClinGen allele CA658655703.